The following is an entry in ClinVar:

NM_001458.5(FLNC):c.5904dup (p.Ile1969fs)

Genes: FLNC (filamin C; plus strand), FLNC-AS1 (FLNC antisense RNA 1; minus strand). Cytogenetic location: 7q32.1.
Variant type: Duplication.
Coding change: c.5904dup on transcript NM_001458.5 (MANE Select); coding-DNA position 5904, one base duplicated (G; older notation c.5904dupG).
Protein change: p.Ile1969fs; shifts the reading frame from isoleucine 1969.
Molecular consequence: frameshift variant.
Genome position (GRCh38, 1-based): chr7:128,852,652, G duplicated. VCF-style (leftmost placement, unchanged base first): chr7-128852651-A-AG. GRCh37 (hg19) VCF-style: chr7-128492705-A-AG.
Other names: c.5904dupG (NM_001458.4); c.5805dup, p.Ile1936fs (NM_001127487.2); short protein forms I1969fs, I1936fs.
Identifiers: ClinVar variation 640320 (VCV000640320.7), dbSNP rs1585167678, ClinGen allele CA915945513.

ClinVar aggregate classification (germline): Pathogenic (1 of 4 stars; one submission).

Conditions:
Myofibrillar myopathy 5. Also called: FILAMINOPATHY, AUTOSOMAL DOMINANT; Filaminopathy (type). Identifiers: Orphanet 171445, MedGen C1836050, MONDO:0012289, OMIM 609524.
Distal myopathy with posterior leg and anterior hand involvement. Also called: WILLIAMS DISTAL MYOPATHY. Identifiers: Orphanet 63273, MedGen C3279722, MONDO:0013550, OMIM 614065.
Hypertrophic cardiomyopathy 26. Also called: Cardiomyopathy, familial hypertrophic, 26. Identifiers: Orphanet 75249, MedGen C4310749, MONDO:0014883, OMIM 617047.

Submission:

Labcorp Genetics (formerly Invitae), Labcorp
Classification: Pathogenic for Distal myopathy with posterior leg and anterior hand involvement; Myofibrillar myopathy 5; Hypertrophic cardiomyopathy 26. Last evaluated: 2024-11-03. Review status: criteria provided, single submitter. Criteria: Invitae Variant Classification Sherloc (09022015). Collection method: clinical testing. Allele origin: germline.
Comment: This sequence change creates a premature translational stop signal (p.Ile1969Aspfs*5) in the FLNC gene. It is expected to result in an absent or disrupted protein product. Loss-of-function variants in FLNC are known to be pathogenic (PMID: 27908349). This variant is not present in population databases (gnomAD no frequency). This variant has not been reported in the literature in individuals affected with FLNC-related conditions. ClinVar contains an entry for this variant (Variation ID: 640320). For these reasons, this variant has been classified as Pathogenic.

Literature cited by the submitters: PubMed 27908349.